The following is an entry in ClinVar:

NM_005314.3(GRPR):c.1011G>C (p.Leu337=)

Gene: GRPR (gastrin releasing peptide receptor; plus strand). Cytogenetic location: Xp22.2.
Variant type: single nucleotide variant.
Coding change: c.1011G>C on transcript NM_005314.3 (MANE Select); coding-DNA position 1011, G replaced by C.
Protein change: p.Leu337=; no amino-acid change (leucine 337 retained).
Molecular consequence: synonymous variant.
Genome position (GRCh38, 1-based): chrX:16,152,501, G>C. VCF-style: chrX-16152501-G-C. GRCh37 (hg19) VCF-style: chrX-16170624-G-C.
Identifiers: ClinVar variation 788755 (VCV000788755.6), dbSNP rs34159776, ClinGen allele CA10356620.

ClinVar aggregate classification (germline): Benign. Review status: criteria provided, single submitter (1 of 4 stars). 2 submissions from 2 submitters: Benign (1). 1 of the submissions does not count toward it. Last evaluated 2019-12-31.

Conditions:
GRPR-related disorder. Also called: GRPR-related condition.

Allele frequency attached by ClinVar (database versions not stated): gnomAD exomes 0.00399; ExAC 0.00485; gnomAD 0.00942 and 0.00963; TOPMed 0.01038; ESP Exome Variant Server 0.01164; 1000 Genomes Project 30x 0.01207; 1000 Genomes Project 0.01272.
gnomAD v4.1: 2,957 of 1,209,301 alleles (0.24%); highest among the groups gnomAD compares: African/African-American, 3%; 35 homozygotes.

Submissions (2):

Labcorp Genetics (formerly Invitae), Labcorp
Classification: Benign. Last evaluated: 2019-12-31. Review status: criteria provided, single submitter. Criteria: Invitae Variant Classification Sherloc (09022015). Collection method: clinical testing. Allele origin: germline.

PreventionGenetics, part of Exact Sciences
Classification: Benign for GRPR-related condition. Last evaluated: 2019-08-13. Review status: no assertion criteria provided. Collection method: clinical testing. Allele origin: germline. Not counted in ClinVar's aggregate classification.
Comment: This variant is classified as benign based on ACMG/AMP sequence variant interpretation guidelines (Richards et al. 2015 PMID: 25741868, with internal and published modifications).